The following is an entry in ClinVar:

NM_001845.6(COL4A1):c.144+6T>C

Gene: COL4A1 (collagen type IV alpha 1 chain; minus strand). Cytogenetic location: 13q34.
Variant type: single nucleotide variant.
Coding change: c.144+6T>C on transcript NM_001845.6 (MANE Select); 6 bases into the intron after coding-DNA position 144, T replaced by C.
Molecular consequence: intron variant.
Genome position (GRCh38, 1-based): chr13:110,242,669, A>G on the plus strand (T>C on the coding strand, the complement: COL4A1 is on the minus strand). VCF-style: chr13-110242669-A-G. GRCh37 (hg19) VCF-style: chr13-110895016-A-G.
Other names: c.144+6T>C (NM_001303110.2).
Identifiers: ClinVar variation 4802040 (VCV004802040.1).
Genomic context (GRCh38, chr13:110,242,669, plus strand): 5'-CTGTTAATGTAGTACTTACTGTCCAATTCACAAAGAAATGTTGTGATTTAAATTTCGGCA[A>G]CTCACCTTTTGTCCCTTCACTCCATGGCAGTCACATTTGCCACAGCCAGAGCCAGCACAG-3'

ClinVar aggregate classification (germline): Uncertain significance (1 of 4 stars; one submission).

gnomAD v4.1: 1 of 1,614,130 alleles (0.000062%); highest among the groups gnomAD compares: Non-Finnish European, 0.000085%; no homozygotes.

Submission:

Labcorp Genetics (formerly Invitae), Labcorp
Classification: Uncertain significance. Last evaluated: 2025-12-19. Review status: criteria provided, single submitter. Criteria: Invitae Variant Classification Sherloc (09022015). Collection method: clinical testing. Allele origin: germline.
Comment: This sequence change falls in intron 2 of the COL4A1 gene. It does not directly change the encoded amino acid sequence of the COL4A1 protein. It affects a nucleotide within the consensus splice site. This variant is not present in population databases (gnomAD no frequency). This variant has not been reported in the literature in individuals affected with COL4A1-related conditions. Variants that disrupt the consensus splice site are a relatively common cause of aberrant splicing (PMID: 17576681, 9536098). Algorithms developed to predict the effect of sequence changes on RNA splicing suggest that this variant is not likely to affect RNA splicing. In summary, the available evidence is currently insufficient to determine the role of this variant in disease. Therefore, it has been classified as a Variant of Uncertain Significance.

Literature cited by the submitters: PubMed 17576681; PubMed 9536098.